The following is an entry in ClinVar:

NC_000020.10:g.(8770909_8862268)_(8865548_?)dup

Gene: PLCB1 (phospholipase C beta 1; plus strand). Cytogenetic location: 20p12.3.
Variant type: Duplication.
Identifiers: ClinVar variation 4689488 (VCV004689488.1).

ClinVar aggregate classification (germline): Uncertain significance (1 of 4 stars; one submission).

Submission:

Women's Health and Genetics/Laboratory Corporation of America, LabCorp
Classification: Uncertain significance. Last evaluated: 2026-01-27. Review status: criteria provided, single submitter. Criteria: LabCorp Variant Classification Summary - May 2015. Collection method: clinical testing. Allele origin: germline.
Comment: Variant summary: The variant involves the duplication of exon 32 in the PLCB1 gene. A presumed nomenclature of c.(3423+1_3424-1)_(*3052_?)dup has been designated for the purposes of this classification. The exact breakpoint at the 3' end of this variant is unknown, therefore this duplication may extend downstream of the annotated region of the gene. As it duplicates the termination codon, its effect on the encoded protein is unknown. The variant was absent in 21694 control chromosomes. The available data on variant occurrences in the general population are insufficient to allow any conclusion about variant significance. To our knowledge, no occurrence of c.(3423+1_3424-1)_(*3052_?)dup in individuals affected with PLCB1-related conditions and no experimental evidence demonstrating its impact on protein function have been reported. ClinVar contains an entry for this variant (Variation ID: 538913). Based on the evidence outlined above, the variant was classified as uncertain significance.